The following is an entry in ClinVar:

NM_004333.6(BRAF):c.1378G>A (p.Gly460Arg)

Gene: BRAF (B-Raf proto-oncogene, serine/threonine kinase; minus strand). Cytogenetic location: 7q34.
Variant type: single nucleotide variant.
Coding change: c.1378G>A on transcript NM_004333.6 (MANE Select); coding-DNA position 1378, G replaced by A.
Protein change: p.Gly460Arg; replaces glycine 460 with arginine.
Molecular consequence: missense variant.
Genome position (GRCh38, 1-based): chr7:140,781,630, C>T on the plus strand (G>A on the coding strand, the complement: BRAF is on the minus strand). VCF-style: chr7-140781630-C-T. GRCh37 (hg19) VCF-style: chr7-140481430-C-T.
Other names: c.1378G>A, p.Gly460Arg (NM_001354609.2, NM_001378468.1, NM_001378474.1); c.1498G>A, p.Gly500Arg (NM_001374244.1, NM_001374258.1); c.1387G>A, p.Gly463Arg (NM_001378467.1); c.1312G>A, p.Gly438Arg (NM_001378469.1); c.1276G>A, p.Gly426Arg (NM_001378470.1); c.1267G>A, p.Gly423Arg (NM_001378471.1); c.1222G>A, p.Gly408Arg (NM_001378472.1, NM_001378473.1); c.1114G>A, p.Gly372Arg (NM_001378475.1); short protein forms G372R, G408R, G423R, G426R, G438R, G460R, G463R, G500R.
Identifiers: ClinVar variation 4854074 (VCV004854074.1).

ClinVar aggregate classification (germline): Likely pathogenic (1 of 4 stars; one submission).

Conditions:
Cardiofaciocutaneous syndrome 1 (CFC1). Also called: BRAF-Related Cardiofaciocutaneous Syndrome. Identifiers: Orphanet 1340, MedGen CN029449, MONDO:0007265, OMIM 115150. Disease mechanism: gain of function.

Submission:

3billion
Classification: Likely pathogenic for Cardiofaciocutaneous syndrome 1. Last evaluated: 2025-06-24. Review status: criteria provided, single submitter. Criteria: ACMG Guidelines, 2015. Collection method: clinical testing. Allele origin: germline. Affected: yes.
Comment: The variant is not observed in the gnomAD v4.1.0 dataset. Predicted Consequence/Location: The variant is located in a mutational hot spot and/or well-established functional domain in which established pathogenic variants have been reported (PMID: 29493581, 29493581). Missense variant. Missense changes are a common disease-causing mechanism. In silico tool predictions suggest damaging effect of the variant on gene or gene product [REVEL: 0.86 (>=0.6, sensitivity 0.68 and specificity 0.92); 3Cnet: 1.00 (> 0.75, sensitivity 0.96 and precision 0.92)]. Different missense changes at the same codon have been reported as of uncertain significance (ClinVar ID: VCV001711752). Therefore, this variant is classified as Likely pathogenic according to the recommendation of ACMG/AMP guideline.